The following is an entry in ClinVar:

ClinVar aggregate classification (germline): Uncertain significance (1 of 4 stars; one submission).

Conditions:
Axenfeld-Rieger syndrome type 3 (RIEG3). Also called: AXENFELD-RIEGER ANOMALY WITH CARDIAC DEFECTS AND/OR SENSORINEURAL HEARING LOSS. Identifiers: Orphanet 782, MedGen C2678503, MONDO:0011233, OMIM 602482.

gnomAD v4.1: 6 of 1,586,780 alleles (0.00038%); highest among the groups gnomAD compares: Non-Finnish European, 0.00051%; no homozygotes.

Submission:

Labcorp Genetics (formerly Invitae), Labcorp
Classification: Uncertain significance for Axenfeld-Rieger syndrome type 3. Last evaluated: 2024-07-27. Review status: criteria provided, single submitter. Criteria: Invitae Variant Classification Sherloc (09022015). Collection method: clinical testing. Allele origin: germline.
Comment: This sequence change affects codon 499 of the FOXC1 mRNA. It is a 'silent' change, meaning that it does not change the encoded amino acid sequence of the FOXC1 protein. This variant is present in population databases (no rsID available, gnomAD 0.001%). This variant has not been reported in the literature in individuals affected with FOXC1-related conditions. In summary, the available evidence is currently insufficient to determine the role of this variant in disease. Therefore, it has been classified as a Variant of Uncertain Significance.

NM_001453.3(FOXC1):c.1497C>T (p.Gly499=)

Gene: FOXC1 (forkhead box C1; plus strand). Cytogenetic location: 6p25.3.
Variant type: single nucleotide variant.
Coding change: c.1497C>T on transcript NM_001453.3 (MANE Select); coding-DNA position 1497, C replaced by T.
Protein change: p.Gly499=; no amino-acid change (glycine 499 retained).
Molecular consequence: synonymous variant.
Genome position (GRCh38, 1-based): chr6:1,611,942, C>T. VCF-style: chr6-1611942-C-T. GRCh37 (hg19) VCF-style: chr6-1612177-C-T.
Identifiers: ClinVar variation 3727280 (VCV003727280.2).